The following is an entry in ClinVar:

NM_002972.4(SBF1):c.3935G>A (p.Arg1312His)

Gene: SBF1 (SET binding factor 1; minus strand). Cytogenetic location: 22q13.33.
Variant type: single nucleotide variant.
Coding change: c.3935G>A on transcript NM_002972.4 (MANE Select); coding-DNA position 3935, G replaced by A.
Protein change: p.Arg1312His; replaces arginine 1312 with histidine.
Molecular consequence: missense variant.
Genome position (GRCh38, 1-based): chr22:50,456,643, C>T on the plus strand (G>A on the coding strand, the complement: SBF1 is on the minus strand). VCF-style: chr22-50456643-C-T. GRCh37 (hg19) VCF-style: chr22-50895072-C-T.
Other names: c.3860G>A, p.Arg1287His (NM_001365819.1); c.3935G>A (NM_002972.2); short protein forms R1312H, R1287H.
Identifiers: ClinVar variation 1368278 (VCV001368278.4), dbSNP rs1483863114, ClinGen allele CA412200707.

ClinVar aggregate classification (germline): Uncertain significance. Review status: criteria provided, multiple submitters, no conflicts (2 of 4 stars). 2 submissions from 2 submitters: Uncertain significance (2). Last evaluated 2024-01-19.

Allele frequency attached by ClinVar (database versions not stated): gnomAD 0.00001; TOPMed 0.00001.
gnomAD v4.1: 6 of 1,504,854 alleles (0.0004%); highest among the groups gnomAD compares: Admixed American, 0.0023%; no homozygotes.

Submissions (2):

Ambry Genetics
Classification: Uncertain significance. Last evaluated: 2024-01-19. Review status: criteria provided, single submitter. Criteria: Ambry Variant Classification Scheme 2023. Collection method: clinical testing. Allele origin: germline.

Labcorp Genetics (formerly Invitae), Labcorp
Classification: Uncertain significance. Last evaluated: 2022-04-25. Review status: criteria provided, single submitter. Criteria: Invitae Variant Classification Sherloc (09022015). Collection method: clinical testing. Allele origin: germline.
Comment: This sequence change replaces arginine, which is basic and polar, with histidine, which is basic and polar, at codon 1312 of the SBF1 protein (p.Arg1312His). The frequency data for this variant in the population databases is considered unreliable, as metrics indicate poor data quality at this position in the gnomAD database. This variant has not been reported in the literature in individuals affected with SBF1-related conditions. Algorithms developed to predict the effect of missense changes on protein structure and function are either unavailable or do not agree on the potential impact of this missense change (SIFT: "Tolerated"; PolyPhen-2: "Possibly Damaging"; Align-GVGD: "Class C0"). In summary, the available evidence is currently insufficient to determine the role of this variant in disease. Therefore, it has been classified as a Variant of Uncertain Significance.